The following is an entry in ClinVar:

ClinVar aggregate classification (germline): Conflicting classifications of pathogenicity. Review status: criteria provided, conflicting classifications (1 of 4 stars). 11 submissions from 11 submitters: Uncertain significance (7); Likely benign (3). 1 of the submissions does not count toward it. Last evaluated 2025-12-08.

Conditions:
DSC2-related disorder. Also called: DSC2-related condition.
Cardiovascular phenotype. Identifiers: MedGen CN230736.
Familial isolated arrhythmogenic right ventricular dysplasia. Identifiers: Orphanet 217656, MedGen C4274968, MONDO:0016342.
Cardiomyopathy (CMYO). Also called: Cardiomyopathies. Identifiers: Orphanet 167848, MedGen C0878544, MONDO:0004994, HP:0001638. Inheritance: Various modes of inheritance.
Arrhythmogenic right ventricular dysplasia 11. Also called: Arrhythmogenic Right Ventricular Dysplasia/Cardiomyopathy11; Arrhythmogenic right ventricular dysplasia 11 with mild palmoplantar keratoderma and woolly hair; ARRHYTHMOGENIC RIGHT VENTRICULAR DYSPLASIA, FAMILIAL, 11. Identifiers: MedGen C1864850, MONDO:0012506, OMIM 610476.
Hypertrophic cardiomyopathy. Also called: HYPERTROPHIC MYOCARDIOPATHY. Identifiers: Orphanet 217569, MedGen C0007194, MeSH D002312, MONDO:0005045, HP:0001639.

Allele frequency attached by ClinVar (database versions not stated): ExAC 0.00002; gnomAD exomes 0.00004; TOPMed 0.00011; gnomAD 0.00013; ESP Exome Variant Server 0.00015.
gnomAD v4.1: 81 of 1,613,768 alleles (0.005%); highest among the groups gnomAD compares: African/African-American, 0.036%; no homozygotes.

Submissions (11):

Labcorp Genetics (formerly Invitae), Labcorp
Classification: Uncertain significance for Arrhythmogenic right ventricular dysplasia 11. Last evaluated: 2025-12-08. Review status: criteria provided, single submitter. Criteria: Invitae Variant Classification Sherloc (09022015). Collection method: clinical testing. Allele origin: germline.
Comment: This sequence change replaces arginine, which is basic and polar, with tryptophan, which is neutral and slightly polar, at codon 183 of the DSC2 protein (p.Arg183Trp). This variant is present in population databases (rs368082152, gnomAD 0.02%). This variant has not been reported in the literature in individuals affected with DSC2-related conditions. ClinVar contains an entry for this variant (Variation ID: 228624). Invitae Evidence Modeling of protein sequence and biophysical properties (such as structural, functional, and spatial information, amino acid conservation, physicochemical variation, residue mobility, and thermodynamic stability) indicates that this missense variant is not expected to disrupt DSC2 protein function with a negative predictive value of 80%. In summary, the available evidence is currently insufficient to determine the role of this variant in disease. Therefore, it has been classified as a Variant of Uncertain Significance.

Color Diagnostics, LLC DBA Color Health
Classification: Likely benign for Cardiomyopathy. Last evaluated: 2025-11-21. Review status: criteria provided, single submitter. Criteria: ACMG Guidelines, 2015. Collection method: clinical testing. Allele origin: germline.

Women's Health and Genetics/Laboratory Corporation of America, LabCorp
Classification: Uncertain significance. Last evaluated: 2025-08-29. Review status: criteria provided, single submitter. Criteria: LabCorp Variant Classification Summary - May 2015. Collection method: clinical testing. Allele origin: germline.
Comment: Variant summary: DSC2 c.547C>T (p.Arg183Trp) results in a non-conservative amino acid change located in the first cadherin repeat domain (IPR002126) of the encoded protein sequence. Algorithms developed to predict the effect of missense changes on protein structure and function are either unavailable or do not agree on the potential impact of this missense change. The variant allele was found at a frequency of 4e-05 in 251324 control chromosomes. To our knowledge, no occurrence of c.547C>T in individuals affected with DSC2-related conditions and no experimental evidence demonstrating its impact on protein function have been reported. ClinVar contains an entry for this variant (Variation ID: 228624). Based on the evidence outlined above, the variant was classified as uncertain significance.

Mayo Clinic Laboratories, Mayo Clinic
Classification: Uncertain significance. Last evaluated: 2025-03-10. Review status: criteria provided, single submitter. Criteria: ACMG Guidelines, 2015. Collection method: clinical testing. Allele origin: germline. Observed: 1 variant allele.
Comment: BP4_moderate

All of Us Research Program, National Institutes of Health
Classification: Uncertain significance for Familial isolated arrhythmogenic right ventricular dysplasia. Last evaluated: 2024-07-29. Review status: criteria provided, single submitter. Criteria: ACMG Guidelines, 2015. Collection method: clinical testing. Allele origin: germline. Inheritance: Autosomal dominant inheritance. Observed: 14 variant alleles, 14 heterozygotes.
Comment: This missense variant replaces arginine with tryptophan at codon 183 of the DSC2 protein. Computational prediction suggests that this variant may not impact protein structure and function (internally defined REVEL score threshold <= 0.5, PMID: 27666373). Splice site prediction tools suggest that this variant may not impact RNA splicing. To our knowledge, functional studies have not been reported for this variant. This variant has not been reported in individuals affected with cardiovascular disorders in the literature. This variant has been identified in 13/282690 chromosomes in the general population by the Genome Aggregation Database (gnomAD). The available evidence is insufficient to determine the role of this variant in disease conclusively. Therefore, this variant is classified as a Variant of Uncertain Significance.

This study involves interpretation of variants in research participants for the purpose of population health screening. Participant phenotype was not available at the time of variant classification. Additional details can be found in publication PMID: 35346344, PMCID: PMC8962531

GeneDx
Classification: Uncertain significance. Last evaluated: 2023-10-25. Review status: criteria provided, single submitter. Criteria: GeneDx Variant Classification Process June 2021. Collection method: clinical testing. Allele origin: germline. Affected: yes.
Comment: Has not been previously published as pathogenic or benign to our knowledge; In silico analysis supports that this missense variant does not alter protein structure/function

Ambry Genetics
Classification: Likely benign for Cardiovascular phenotype. Last evaluated: 2022-11-28. Review status: criteria provided, single submitter. Criteria: Ambry Variant Classification Scheme 2023. Collection method: clinical testing. Allele origin: germline.

Blueprint Genetics
Classification: Uncertain significance. Last evaluated: 2022-04-06. Review status: criteria provided, single submitter. Criteria: ACMG Guidelines, 2015. Collection method: clinical testing. Allele origin: germline.

Center for Advanced Laboratory Medicine, UC San Diego Health, University of California San Diego
Classification: Likely benign for Hypertrophic cardiomyopathy. Last evaluated: 2019-06-03. Review status: criteria provided, single submitter. Criteria: ACMG Guidelines, 2015. Collection method: clinical testing. Allele origin: germline. Affected: yes. Observed: 1 variant allele.

Laboratory for Molecular Medicine, Mass General Brigham Personalized Medicine
Classification: Uncertain significance. Last evaluated: 2015-06-12. Review status: criteria provided, single submitter. Criteria: LMM Criteria. Collection method: clinical testing. Allele origin: germline. Observed: 1 variant allele.
Comment: The p.Arg183Trp variant in DSC2 has not been previously reported in individuals with cardiomyopathy, but has been identified in 2/66612 European chromosomes by the Exome Aggregation Consortium (ExAC; dbSNP rs 368082152). Computational prediction tools and conservation analysis suggest tha t the variant may not impact the protein, though this information is not predict ive enough to rule out pathogenicity. In summary, the clinical significance of t he p.Arg183Trp variant is uncertain.

PreventionGenetics, part of Exact Sciences
Classification: Uncertain significance for DSC2-related condition. Last evaluated: 2023-12-20. Review status: no assertion criteria provided. Collection method: clinical testing. Allele origin: germline. Not counted in ClinVar's aggregate classification.
Comment: The DSC2 c.547C>T variant is predicted to result in the amino acid substitution p.Arg183Trp. This variant was reported in an individual with dilated cardiomyopathy (Table S7, Mazzarotto et al. 2020. PubMed ID: 31983221). This variant is reported in 0.028% of alleles in individuals of African descent in gnomAD. At this time, the clinical significance of this variant is uncertain due to the absence of conclusive functional and genetic evidence.

NM_024422.6(DSC2):c.547C>T (p.Arg183Trp)

Gene: DSC2 (desmocollin 2; minus strand). Cytogenetic location: 18q12.1.
Variant type: single nucleotide variant.
Coding change: c.547C>T on transcript NM_024422.6 (MANE Select); coding-DNA position 547, C replaced by T.
Protein change: p.Arg183Trp; replaces arginine 183 with tryptophan.
Molecular consequence: missense variant.
Genome position (GRCh38, 1-based): chr18:31,089,522, G>A on the plus strand (C>T on the coding strand, the complement: DSC2 is on the minus strand). VCF-style: chr18-31089522-G-A. GRCh37 (hg19) VCF-style: chr18-28669485-G-A.
Other names: c.547C>T, p.Arg183Trp (NM_004949.5); short protein forms R183W.
Identifiers: ClinVar variation 228624 (VCV000228624.29), dbSNP rs368082152, ClinGen allele CA038773.